The following is an entry in ClinVar:

ClinVar aggregate classification (germline): Likely benign. Review status: criteria provided, multiple submitters, no conflicts (2 of 4 stars). 2 submissions from 2 submitters: Likely benign (2). Last evaluated 2025-08-21.

Conditions:
Epilepsy, progressive myoclonic, 1B. Also called: PME. Identifiers: Orphanet 308, MedGen C2676254, MONDO:0012904, OMIM 612437.

Allele frequency attached by ClinVar (database versions not stated): ExAC 0.00003; gnomAD 0.00003; TOPMed 0.00005.
gnomAD v4.1: 159 of 1,613,972 alleles (0.0099%); highest among the groups gnomAD compares: Non-Finnish European, 0.013%; no homozygotes.

Submissions (2):

Labcorp Genetics (formerly Invitae), Labcorp
Classification: Likely benign for Epilepsy, progressive myoclonic, 1B. Last evaluated: 2025-08-21. Review status: criteria provided, single submitter. Criteria: Invitae Variant Classification Sherloc (09022015). Collection method: clinical testing. Allele origin: germline.

GeneDx
Classification: Likely benign. Last evaluated: 2017-05-04. Review status: criteria provided, single submitter. Criteria: GeneDx Variant Classification (06012015). Collection method: clinical testing. Allele origin: germline. Affected: yes.
Comment: This variant is considered likely benign or benign based on one or more of the following criteria: it is a conservative change, it occurs at a poorly conserved position in the protein, it is predicted to be benign by multiple in silico algorithms, and/or has population frequency not consistent with disease.

NM_153026.3(PRICKLE1):c.2091C>T (p.Pro697=)

Gene: PRICKLE1 (prickle planar cell polarity protein 1; minus strand). Cytogenetic location: 12q12.
Variant type: single nucleotide variant.
Coding change: c.2091C>T on transcript NM_153026.3 (MANE Select); coding-DNA position 2091, C replaced by T.
Protein change: p.Pro697=; no amino-acid change (proline 697 retained).
Molecular consequence: synonymous variant.
Genome position (GRCh38, 1-based): chr12:42,460,214, G>A on the plus strand (C>T on the coding strand, the complement: PRICKLE1 is on the minus strand). VCF-style: chr12-42460214-G-A. GRCh37 (hg19) VCF-style: chr12-42854016-G-A.
Other names: c.2091C>T, p.Pro697= (NM_001144881.2, NM_001144882.2, NM_001144883.2).
Identifiers: ClinVar variation 509334 (VCV000509334.8), dbSNP rs756787066, ClinGen allele CA6519657.
Genomic context (GRCh38, chr12:42,460,214, plus strand): 5'-ACTTTTATTCTGTATAAATTTCTCATAGTTATCGGGGGTGTACAGCCGCAGTCTGTCCTT[G>A]GGAGAGTATTTTCTTTCTGTAACAAGATTCAGGGCATTGTCGGAGCGGGACTTTCTACTT-3'
Protein context (NP_694571.2, residues 687-707): LNLVTERKYS[Pro697=]KDRLRLYTPD